The following is an entry in ClinVar:

NM_015459.5(ATL3):c.1115G>A (p.Gly372Glu)

Genes: ATL3 (atlastin GTPase 3; minus strand), LNCROPM (lncRNA regulator of PLAAT3 mediated phospholipid metabolism; plus strand), LOC126861231 (CDK7 strongly-dependent group 2 enhancer GRCh37_chr11:63398741-63399940; plus strand). Cytogenetic location: 11q13.1.
Variant type: single nucleotide variant.
Coding change: c.1115G>A on transcript NM_015459.5 (MANE Select); coding-DNA position 1115, G replaced by A.
Protein change: p.Gly372Glu; replaces glycine 372 with glutamic acid.
Molecular consequence: missense variant.
Genome position (GRCh38, 1-based): chr11:63,631,464, C>T on the plus strand (G>A on the coding strand, the complement: ATL3 is on the minus strand). VCF-style: chr11-63631464-C-T. GRCh37 (hg19) VCF-style: chr11-63398936-C-T.
Other names: c.1061G>A, p.Gly354Glu (NM_001290048.2); short protein forms G354E, G372E.
Identifiers: ClinVar variation 2842302 (VCV002842302.3), dbSNP rs1319331095, ClinGen allele CA381025663.

ClinVar aggregate classification (germline): Uncertain significance (1 of 4 stars; one submission).

Conditions:
Neuropathy, hereditary sensory, type 1F. Also called: HSN IF; Hereditary sensory neuropathy type IF. Identifiers: Orphanet 36386, MedGen C3810194, MONDO:0014286, OMIM 615632.

Allele frequency attached by ClinVar (database versions not stated): gnomAD exomes below 0.00001.
gnomAD v4.1: 1 of 1,594,668 alleles (0.000063%); highest among the groups gnomAD compares: Non-Finnish European, 0.000085%; no homozygotes.

Submission:

Labcorp Genetics (formerly Invitae), Labcorp
Classification: Uncertain significance for Neuropathy, hereditary sensory, type 1F. Last evaluated: 2023-03-02. Review status: criteria provided, single submitter. Criteria: Invitae Variant Classification Sherloc (09022015). Collection method: clinical testing. Allele origin: germline.
Comment: This sequence change replaces glycine, which is neutral and non-polar, with glutamic acid, which is acidic and polar, at codon 372 of the ATL3 protein (p.Gly372Glu). This variant is present in population databases (no rsID available, gnomAD 0.0009%). This variant has not been reported in the literature in individuals affected with ATL3-related conditions. Advanced modeling of protein sequence and biophysical properties (such as structural, functional, and spatial information, amino acid conservation, physicochemical variation, residue mobility, and thermodynamic stability) performed at Invitae indicates that this missense variant is not expected to disrupt ATL3 protein function. In summary, the available evidence is currently insufficient to determine the role of this variant in disease. Therefore, it has been classified as a Variant of Uncertain Significance.